The following is an entry in ClinVar:

NM_000018.4(ACADVL):c.1391C>T (p.Thr464Ile)

Gene: ACADVL (acyl-CoA dehydrogenase very long chain; plus strand). Cytogenetic location: 17p13.1.
Variant type: single nucleotide variant.
Coding change: c.1391C>T on transcript NM_000018.4 (MANE Select); coding-DNA position 1391, C replaced by T.
Protein change: p.Thr464Ile; replaces threonine 464 with isoleucine.
Molecular consequence: missense variant.
Genome position (GRCh38, 1-based): chr17:7,224,026, C>T. VCF-style: chr17-7224026-C-T. GRCh37 (hg19) VCF-style: chr17-7127345-C-T.
Other names: c.1325C>T, p.Thr442Ile (NM_001033859.3); c.1460C>T, p.Thr487Ile (NM_001270447.2); c.1163C>T, p.Thr388Ile (NM_001270448.2); short protein forms T464I, T442I, T487I, T388I.
Identifiers: ClinVar variation 474886 (VCV000474886.10), dbSNP rs1555528796, ClinGen allele CA397725017.

ClinVar aggregate classification (germline): Uncertain significance (1 of 4 stars; one submission).

Conditions:
Very long chain acyl-CoA dehydrogenase deficiency (ACADVLD). Also called: VLCAD Deficiency; Very Long-Chain Acyl-Coenzyme A Dehydrogenase Deficiency. Identifiers: Orphanet 26793, MedGen C3887523, MONDO:0008723, OMIM 201475.

Allele frequency attached by ClinVar (database versions not stated): gnomAD exomes below 0.00001.
gnomAD v4.1: 1 of 1,614,080 alleles (0.000062%); highest among the groups gnomAD compares: East Asian, 0.0022%; no homozygotes.

Submission:

Labcorp Genetics (formerly Invitae), Labcorp
Classification: Uncertain significance for Very long chain acyl-CoA dehydrogenase deficiency. Last evaluated: 2019-09-24. Review status: criteria provided, single submitter. Criteria: Invitae Variant Classification Sherloc (09022015). Collection method: clinical testing. Allele origin: germline.
Comment: In summary, the available evidence is currently insufficient to determine the role of this variant in disease. Therefore, it has been classified as a Variant of Uncertain Significance. Algorithms developed to predict the effect of missense changes on protein structure and function do not agree on the potential impact of this missense change (SIFT: "Deleterious"; PolyPhen-2: "Possibly Damaging"; Align-GVGD: "Class C15"). This variant has not been reported in the literature in individuals with ACADVL-related disease. This variant is not present in population databases (ExAC no frequency). This sequence change replaces threonine with isoleucine at codon 464 of the ACADVL protein (p.Thr464Ile). The threonine residue is highly conserved and there is a moderate physicochemical difference between threonine and isoleucine.